The following is an entry in ClinVar:

ClinVar aggregate classification (germline): Uncertain significance. Review status: criteria provided, multiple submitters, no conflicts (2 of 4 stars). 2 submissions from 2 submitters: Uncertain significance (2). Last evaluated 2025-07-21.

Allele frequency attached by ClinVar (database versions not stated): gnomAD 0.00001; gnomAD exomes 0.00001; ESP Exome Variant Server 0.00008.
gnomAD v4.1: 9 of 1,613,140 alleles (0.00056%); highest among the groups gnomAD compares: African/African-American, 0.0013%; no homozygotes.

Submissions (2):

Labcorp Genetics (formerly Invitae), Labcorp
Classification: Uncertain significance. Last evaluated: 2025-07-21. Review status: criteria provided, single submitter. Criteria: Invitae Variant Classification Sherloc (09022015). Collection method: clinical testing. Allele origin: germline.
Comment: This sequence change replaces glutamic acid, which is acidic and polar, with lysine, which is basic and polar, at codon 814 of the NFKB1 protein (p.Glu814Lys). This variant is not present in population databases (gnomAD no frequency). This variant has not been reported in the literature in individuals affected with NFKB1-related conditions. ClinVar contains an entry for this variant (Variation ID: 2880401). Invitae Evidence Modeling of protein sequence and biophysical properties (such as structural, functional, and spatial information, amino acid conservation, physicochemical variation, residue mobility, and thermodynamic stability) indicates that this missense variant is not expected to disrupt NFKB1 protein function with a negative predictive value of 80%. In summary, the available evidence is currently insufficient to determine the role of this variant in disease. Therefore, it has been classified as a Variant of Uncertain Significance.

Blueprint Genetics
Classification: Uncertain significance. Last evaluated: 2023-11-15. Review status: criteria provided, single submitter. Criteria: ACMG Guidelines, 2015. Collection method: clinical testing. Allele origin: germline.

NM_003998.4(NFKB1):c.2440G>A (p.Glu814Lys)

Gene: NFKB1 (nuclear factor kappa B subunit 1; plus strand). Cytogenetic location: 4q24.
Variant type: single nucleotide variant.
Coding change: c.2440G>A on transcript NM_003998.4 (MANE Select); coding-DNA position 2440, G replaced by A.
Protein change: p.Glu814Lys; replaces glutamic acid 814 with lysine.
Molecular consequence: missense variant.
Genome position (GRCh38, 1-based): chr4:102,612,454, G>A. VCF-style: chr4-102612454-G-A. GRCh37 (hg19) VCF-style: chr4-103533611-G-A.
Other names: c.2437G>A, p.Glu813Lys (NM_001165412.2, NM_001319226.2, NM_001382627.1); c.2440G>A, p.Glu814Lys (NM_001382625.1, NM_001382626.1); c.2398G>A, p.Glu800Lys (NM_001382628.1); short protein forms E814K, E800K, E813K.
Identifiers: ClinVar variation 2880401 (VCV002880401.4), dbSNP rs147412381, ClinGen allele CA102690039.